The following is an entry in ClinVar:

NM_001330078.2(NRXN1):c.2261T>C (p.Ile754Thr)

Gene: NRXN1 (neurexin 1; minus strand). Cytogenetic location: 2p16.3.
Variant type: single nucleotide variant.
Coding change: c.2261T>C on transcript NM_001330078.2 (MANE Select); coding-DNA position 2261, T replaced by C.
Protein change: p.Ile754Thr; replaces isoleucine 754 with threonine.
Molecular consequence: missense variant.
Genome position (GRCh38, 1-based): chr2:50,531,313, A>G on the plus strand (T>C on the coding strand, the complement: NRXN1 is on the minus strand). VCF-style: chr2-50531313-A-G. GRCh37 (hg19) VCF-style: chr2-50758451-A-G.
Other names: c.2381T>C, p.Ile794Thr (NM_001135659.3); c.2237T>C, p.Ile746Thr (NM_001330077.2, NM_001330082.2, NM_001330095.2); c.2222T>C, p.Ile741Thr (NM_001330083.2, NM_001330084.2); c.2261T>C, p.Ile754Thr (NM_001330085.2, NM_001330086.2, NM_004801.6); c.2177T>C, p.Ile726Thr (NM_001330087.2, NM_001330096.2); c.2207T>C, p.Ile736Thr (NM_001330088.2); c.2258T>C, p.Ile753Thr (NM_001330093.2); c.2249T>C, p.Ile750Thr (NM_001330094.2); short protein forms I794T, I726T, I736T, I741T, I754T, I746T, I750T, I753T.
Identifiers: ClinVar variation 411164 (VCV000411164.10), dbSNP rs1060503178, ClinGen allele CA16610997.

ClinVar aggregate classification (germline): Uncertain significance. Review status: criteria provided, multiple submitters, no conflicts (2 of 4 stars). 2 submissions from 2 submitters: Uncertain significance (2). Last evaluated 2024-01-03.

Conditions:
Inborn genetic diseases. Identifiers: MedGen C0950123, MeSH D030342.
Pitt-Hopkins-like syndrome 2 (PTHSL2). Identifiers: Orphanet 221150, Orphanet 600663, MedGen C3280479, MONDO:0013690, OMIM 614325.

Allele frequency attached by ClinVar (database versions not stated): gnomAD exomes below 0.00001 and 0.00001; TOPMed below 0.00001; gnomAD 0.00001.
gnomAD v4.1: 4 of 1,613,604 alleles (0.00025%); highest among the groups gnomAD compares: East Asian, 0.0089%; no homozygotes.

Submissions (2):

Ambry Genetics
Classification: Uncertain significance for Inborn genetic diseases. Last evaluated: 2024-01-03. Review status: criteria provided, single submitter. Criteria: Ambry Variant Classification Scheme 2023. Collection method: clinical testing. Allele origin: germline.

Labcorp Genetics (formerly Invitae), Labcorp
Classification: Uncertain significance for Pitt-Hopkins-like syndrome 2. Last evaluated: 2022-02-02. Review status: criteria provided, single submitter. Criteria: Invitae Variant Classification Sherloc (09022015). Collection method: clinical testing. Allele origin: germline.
Comment: In summary, the available evidence is currently insufficient to determine the role of this variant in disease. Therefore, it has been classified as a Variant of Uncertain Significance. Algorithms developed to predict the effect of missense changes on protein structure and function (SIFT, PolyPhen-2, Align-GVGD) all suggest that this variant is likely to be disruptive. ClinVar contains an entry for this variant (Variation ID: 411164). This variant has not been reported in the literature in individuals affected with NRXN1-related conditions. This variant is present in population databases (no rsID available, gnomAD 0.02%). This sequence change replaces isoleucine, which is neutral and non-polar, with threonine, which is neutral and polar, at codon 794 of the NRXN1 protein (p.Ile794Thr).